The following is an entry in ClinVar:

ClinVar aggregate classification (germline): Uncertain significance (1 of 4 stars; one submission).

Submission:

Labcorp Genetics (formerly Invitae), Labcorp
Classification: Uncertain significance. Last evaluated: 2023-04-07. Review status: criteria provided, single submitter. Criteria: Invitae Variant Classification Sherloc (09022015). Collection method: clinical testing. Allele origin: germline.
Comment: This sequence change falls in intron 1 of the ZNF408 gene. It does not directly change the encoded amino acid sequence of the ZNF408 protein. This variant is not present in population databases (gnomAD no frequency). This variant has not been reported in the literature in individuals affected with ZNF408-related conditions. Algorithms developed to predict the effect of sequence changes on RNA splicing suggest that this variant may create or strengthen a splice site. In summary, the available evidence is currently insufficient to determine the role of this variant in disease. Therefore, it has been classified as a Variant of Uncertain Significance.

NM_024741.3(ZNF408):c.53-5T>A

Gene: ZNF408 (zinc finger protein 408; plus strand). Cytogenetic location: 11p11.2.
Variant type: single nucleotide variant.
Coding change: c.53-5T>A on transcript NM_024741.3 (MANE Select); 5 bases into the intron before coding-DNA position 53, T replaced by A.
Molecular consequence: intron variant.
Genome position (GRCh38, 1-based): chr11:46,701,394, T>A. VCF-style: chr11-46701394-T-A. GRCh37 (hg19) VCF-style: chr11-46722944-T-A.
Other names: c.29-5T>A (NM_001184751.2).
Identifiers: ClinVar variation 2853041 (VCV002853041.3), dbSNP rs2502783823, ClinGen allele CA2739270420.
Genomic context (GRCh38, chr11:46,701,394, plus strand): 5'-CCACACTTTTCCCCACCTCCCACCTTCTTGGGTGGCTCCCTCACTGTCTTCCCTTCTCTC[T>A]GCAGCCCGCGAGCCGCGCCTGGGCCTGGACTTAGGATGGAACCCTTCCGGAGAAGGCTGT-3'